The following is an entry in ClinVar:

ClinVar aggregate classification (germline): Uncertain significance (1 of 4 stars; one submission).

Allele frequency attached by ClinVar (database versions not stated): TOPMed below 0.00001; gnomAD 0.00001.

Submission:

Labcorp Genetics (formerly Invitae), Labcorp
Classification: Uncertain significance. Last evaluated: 2024-02-24. Review status: criteria provided, single submitter. Criteria: Invitae Variant Classification Sherloc (09022015). Collection method: clinical testing. Allele origin: germline.
Comment: This sequence change replaces leucine, which is neutral and non-polar, with isoleucine, which is neutral and non-polar, at codon 175 of the KARS protein (p.Leu175Ile). This variant is not present in population databases (gnomAD no frequency). This variant has not been reported in the literature in individuals affected with KARS-related conditions. ClinVar contains an entry for this variant (Variation ID: 2103280). Advanced modeling of protein sequence and biophysical properties (such as structural, functional, and spatial information, amino acid conservation, physicochemical variation, residue mobility, and thermodynamic stability) performed at Invitae indicates that this missense variant is not expected to disrupt KARS protein function with a negative predictive value of 80%. In summary, the available evidence is currently insufficient to determine the role of this variant in disease. Therefore, it has been classified as a Variant of Uncertain Significance.

NM_005548.3(KARS1):c.439C>A (p.Leu147Ile)

Gene: KARS1 (lysyl-tRNA synthetase 1; minus strand). Cytogenetic location: 16q23.1.
Variant type: single nucleotide variant.
Coding change: c.439C>A on transcript NM_005548.3 (MANE Select); coding-DNA position 439, C replaced by A.
Protein change: p.Leu147Ile; replaces leucine 147 with isoleucine.
Molecular consequence: missense variant. On other transcripts: 5 prime UTR variant (1).
Genome position (GRCh38, 1-based): chr16:75,636,497, G>T on the plus strand (C>A on the coding strand, the complement: KARS1 is on the minus strand). VCF-style: chr16-75636497-G-T. GRCh37 (hg19) VCF-style: chr16-75670395-G-T.
Other names: c.523C>A, p.Leu175Ile (NM_001130089.2); c.-30C>A (NM_001378148.1); short protein forms L175I, L147I.
Identifiers: ClinVar variation 2103280 (VCV002103280.4), dbSNP rs2082163080, ClinGen allele CA396814334.